The following is an entry in ClinVar:

NM_001330700.2(TOP2B):c.2810T>C (p.Val937Ala)

Gene: TOP2B (DNA topoisomerase II beta; minus strand). Cytogenetic location: 3p24.2.
Variant type: single nucleotide variant.
Coding change: c.2810T>C on transcript NM_001330700.2 (MANE Select); coding-DNA position 2810, T replaced by C.
Protein change: p.Val937Ala; replaces valine 937 with alanine.
Molecular consequence: missense variant.
Genome position (GRCh38, 1-based): chr3:25,620,734, A>G on the plus strand (T>C on the coding strand, the complement: TOP2B is on the minus strand). VCF-style: chr3-25620734-A-G. GRCh37 (hg19) VCF-style: chr3-25662225-A-G.
Other names: c.2795T>C, p.Val932Ala (NM_001068.3); short protein forms V932A, V937A.
Identifiers: ClinVar variation 4722984 (VCV004722984.1).

ClinVar aggregate classification (germline): Uncertain significance (1 of 4 stars; one submission).

Submission:

Labcorp Genetics (formerly Invitae), Labcorp
Classification: Uncertain significance. Last evaluated: 2025-07-09. Review status: criteria provided, single submitter. Criteria: Invitae Variant Classification Sherloc (09022015). Collection method: clinical testing. Allele origin: germline.
Comment: This sequence change replaces valine, which is neutral and non-polar, with alanine, which is neutral and non-polar, at codon 932 of the TOP2B protein (p.Val932Ala). This variant is not present in population databases (gnomAD no frequency). This variant has not been reported in the literature in individuals affected with TOP2B-related conditions. An algorithm developed to predict the effect of missense changes on protein structure and function (PolyPhen-2) suggests that this variant is likely to be tolerated. In summary, the available evidence is currently insufficient to determine the role of this variant in disease. Therefore, it has been classified as a Variant of Uncertain Significance.